The following is an entry in ClinVar:

NM_000081.4(LYST):c.463G>C (p.Val155Leu)

Gene: LYST (lysosomal trafficking regulator; minus strand). Cytogenetic location: 1q42.3.
Variant type: single nucleotide variant.
Coding change: c.463G>C on transcript NM_000081.4 (MANE Select); coding-DNA position 463, G replaced by C.
Protein change: p.Val155Leu; replaces valine 155 with leucine.
Molecular consequence: missense variant.
Genome position (GRCh38, 1-based): chr1:235,810,355, C>G on the plus strand (G>C on the coding strand, the complement: LYST is on the minus strand). VCF-style: chr1-235810355-C-G. GRCh37 (hg19) VCF-style: chr1-235973655-C-G.
Other names: c.463G>C, p.Val155Leu (NM_001301365.1); short protein forms V155L.
Identifiers: ClinVar variation 435792 (VCV000435792.36), dbSNP rs769942827, ClinGen allele CA1467620.

ClinVar aggregate classification (germline): Conflicting classifications of pathogenicity. Review status: criteria provided, conflicting classifications (1 of 4 stars). 3 submissions from 3 submitters: Uncertain significance (1); Likely benign (2). Last evaluated 2024-10-22.

Conditions:
Chédiak-Higashi syndrome (CHS). Also called: Chediak-Higashi Syndrome. Identifiers: Orphanet 167, MedGen C0007965, MONDO:0008963, OMIM 214500.

Allele frequency attached by ClinVar (database versions not stated): gnomAD exomes 0.00001; ExAC 0.00002.
gnomAD v4.1: 3 of 1,614,092 alleles (0.00019%); highest among the groups gnomAD compares: Non-Finnish European, 0.00025%; no homozygotes.

Submissions (3):

Labcorp Genetics (formerly Invitae), Labcorp
Classification: Uncertain significance for Chédiak-Higashi syndrome. Last evaluated: 2024-10-22. Review status: criteria provided, single submitter. Criteria: Invitae Variant Classification Sherloc (09022015). Collection method: clinical testing. Allele origin: germline.
Comment: This sequence change replaces valine, which is neutral and non-polar, with leucine, which is neutral and non-polar, at codon 155 of the LYST protein (p.Val155Leu). This variant is present in population databases (rs769942827, gnomAD 0.002%). This variant has not been reported in the literature in individuals affected with LYST-related conditions. ClinVar contains an entry for this variant (Variation ID: 435792). Invitae Evidence Modeling of protein sequence and biophysical properties (such as structural, functional, and spatial information, amino acid conservation, physicochemical variation, residue mobility, and thermodynamic stability) indicates that this missense variant is not expected to disrupt LYST protein function with a negative predictive value of 80%. In summary, the available evidence is currently insufficient to determine the role of this variant in disease. Therefore, it has been classified as a Variant of Uncertain Significance.

CeGaT Center for Human Genetics Tuebingen
Classification: Likely benign. Last evaluated: 2022-03-01. Review status: criteria provided, single submitter. Criteria: CeGaT Center For Human Genetics Tuebingen Variant Classification Criteria Version 2. Collection method: clinical testing. Allele origin: germline. Affected: yes. Observed: 1 variant allele.
Comment: LYST: BP4

Genetic Services Laboratory, University of Chicago
Classification: Likely benign. Last evaluated: 2015-11-17. Review status: criteria provided, single submitter. Criteria: ACMG Guidelines, 2015. Collection method: clinical testing. Allele origin: germline. Affected: no.